The following continues an entry in ClinVar:

NM_001005242.3(PKP2):c.148_151del (p.Thr50fs)

Gene: PKP2. ClinVar aggregate classification (germline): Pathogenic. Pathogenic (29).

Submissions 9 to 19 of 31:

All of Us Research Program, National Institutes of Health
Classification: Pathogenic for Arrhythmogenic right ventricular cardiomyopathy. Last evaluated: 2024-08-07. Review status: criteria provided, single submitter. Criteria: ACMG Guidelines, 2015. Collection method: clinical testing. Allele origin: germline. Inheritance: Autosomal dominant inheritance. Observed: 5 variant alleles, 5 heterozygotes.
Comment: The c.148_151del (p.Thr50Serfs*61) variant in exon 1 of PKP2 gene, encoding for plakophilin 2, creates a premature termination codon that is predicted to lead to an absent or truncated protein product. This variant has been reported in multiple affected individuals (>10) with arrhythmogenic right ventricular cardiomyopathy/dysplasia (ARVC/D) (PMID: 28069705, 16567567, 24200905, 23347029, 20400443). Loss of function variants are well known to be pathogenic for PKP2 gene (PMID: 23911551, 15489853, 24704780, 29038103, 34120153). Truncating variants downstream of this variant are reported to be pathogenic in multiple individuals with ARVC/D (PMID: 15489853, 20031617, 23671136, 27532257) and classified as pathogenic by several ClinVar submitters (ClinVar ID: 856786, 934444, 188654). This variant is found to be absent in the general population database (gnomAD) and interpreted as pathogenic by several submitters in the ClinVar database (ClinVar ID: 45028). Therefore, the c.148_151del (p.Thr50Serfs*61) variant in the PKP2 gene is classified as pathogenic.

This study involves interpretation of variants in research participants for the purpose of population health screening. Participant phenotype was not available at the time of variant classification. Additional details can be found in publication PMID: 35346344, PMCID: PMC8962531

Blueprint Genetics
Classification: Pathogenic for PKP2-related disorders. Last evaluated: 2024-06-21. Review status: criteria provided, single submitter. Criteria: ACMG Guidelines, 2015. Collection method: clinical testing. Allele origin: germline. Affected: yes. Observed: 5 variant alleles.

Mayo Clinic Laboratories, Mayo Clinic
Classification: Pathogenic. Last evaluated: 2024-04-25. Review status: criteria provided, single submitter. Criteria: ACMG Guidelines, 2015. Collection method: clinical testing. Allele origin: germline. Observed: 1 variant allele.
Comment: PP4, PM2, PS4, PVS1

Genomic Medicine Center of Excellence, King Faisal Specialist Hospital and Research Centre
Classification: Pathogenic for Arrhythmogenic right ventricular dysplasia 9. Last evaluated: 2024-03-29. Review status: criteria provided, single submitter. Criteria: ACMG Guidelines, 2015. Collection method: clinical testing. Allele origin: germline.

Fulgent Genetics
Classification: Pathogenic for Arrhythmogenic right ventricular dysplasia 9. Last evaluated: 2024-03-22. Review status: criteria provided, single submitter. Criteria: ACMG Guidelines, 2015. Collection method: clinical testing. Allele origin: germline.

Ambry Genetics
Classification: Pathogenic for Cardiovascular phenotype. Last evaluated: 2024-02-20. Review status: criteria provided, single submitter. Criteria: Ambry Variant Classification Scheme 2023. Collection method: clinical testing. Allele origin: germline.
Comment: The c.148_151delACAG pathogenic mutation, located in coding exon 1 of the PKP2 gene, results from a deletion of 4 nucleotides at nucleotide positions 148 to 151, causing a translational frameshift with a predicted alternate stop codon (p.T50Sfs*61). This alteration, alternatively reported as p.S50fsX110, has been reported in multiple subjects with arrhythmogenic right ventricular cardiomyopathy (ARVC) and has been shown to segregate with disease in at least one family (Gerull B et al. Nat. Genet., 2004 Nov;36:1162-4; Dalal D et al. J. Am. Coll. Cardiol., 2006 Oct;48:1416-24; Bauce B et al. Heart Rhythm, 2010 Jan;7:22-9; Fressart V et al. Europace, 2010 Jun;12:861-8; Baskin B et al. Hum. Genet., 2013 Nov;132:1245-52; Philips B et al. Circ Arrhythm Electrophysiol, 2014 Apr;7:230-6; Walsh R et al. Genet. Med., 2017 02;19:192-203; Hermida A et al. Eur. J. Heart Fail., 2019 Jun;21:792-800; Ruiz Salas A et al. Rev Esp Cardiol (Engl Ed), 2018 Dec;71:1018-1026). This variant has also been identified in a cohort of individuals with dilated cardiomyopathy (Gigli M et al. J. Am. Coll. Cardiol., 2019 Sep;74:1480-1490). This variant is considered to be rare based on population cohorts in the Genome Aggregation Database (gnomAD). In addition to the clinical data presented in the literature, this alteration is expected to result in loss of function by premature protein truncation or nonsense-mediated mRNA decay. As such, this alteration is interpreted as a disease-causing mutation.

Molecular Genetics, Royal Melbourne Hospital
Classification: Pathogenic for Arrhythmogenic right ventricular cardiomyopathy. Last evaluated: 2024-01-05. Review status: criteria provided, single submitter. Criteria: ACMG Guidelines, 2015. Collection method: clinical testing. Allele origin: germline. Inheritance: Autosomal dominant inheritance. Affected: yes.
Comment: This sequence change in PKP2 is a frameshift variant predicted to cause a premature stop codon, p.(Thr50Serfs*61), in biologically relevant exon 2/13 leading to nonsense-mediated decay in a gene in which loss-of-function is an established disease mechanism. The highest population minor allele frequency in the population database gnomAD v4.0 is 0.007% (3/44,204 alleles) in the East Asian population. This is a recurrent variant reported in multiple individuals with arrhythmogenic cardiomyopathy (ACM; PMID: 34191271, 28588093, 25820315, 27532257). The variant has been reported to segregate with ACM in multiple families (PMID: 17010805, 20129281). Based on the classification scheme RMH Modified ACMG/AMP Guidelines v1.6.1, this variant is classified as PATHOGENIC. Following criteria are met: PVS1, PP1_Moderate.

Clinical Genetics Laboratory, Skane University Hospital Lund
Classification: Pathogenic. Last evaluated: 2023-09-25. Review status: criteria provided, single submitter. Criteria: ACMG Guidelines, 2015. Collection method: clinical testing. Allele origin: germline. Affected: yes.

Victorian Clinical Genetics Services, Murdoch Childrens Research Institute
Classification: Pathogenic for Arrhythmogenic right ventricular dysplasia 9. Last evaluated: 2023-07-17. Review status: criteria provided, single submitter. Criteria: ACMG Guidelines, 2015. Collection method: clinical testing. Allele origin: germline. Inheritance: Autosomal dominant inheritance. Affected: yes.
Comment: Based on the classification scheme VCGS_Germline_v1.3.4, this variant is classified as Pathogenic. Following criteria are met: 0102 - Loss of function is a known mechanism of disease in this gene and is associated with arrhythmogenic right ventricular cardiomyopathy (ARVC) (MIM#609040). On the other hand, dominant-negative is the proposed mechanism for missense variants in this gene (PMID: 23183494, 24967631). (I) 0107 - This gene is associated with autosomal dominant disease. (I) 0112 - The condition associated with this gene has incomplete penetrance (PMID: 17010805, 23183494). (I) 0115 - Variants in this gene are known to have variable expressivity (PMID: 17010805, 23183494). (I) 0201 - Variant is predicted to cause nonsense-mediated decay (NMD) and loss of protein (premature termination codon is located at least 54 nucleotides upstream of the final exon-exon junction). (SP) 0251 - This variant is heterozygous. (I) 0302 - Variant is present in gnomAD (v3) <0.001 for a dominant condition (4 heterozygotes, 0 homozygotes). (SP) 0701 - Other NMD predicted variants comparable to the one identified in this case have very strong previous evidence for pathogenicity (DECIPHER). (SP) 0801 - This variant has strong previous evidence of pathogenicity in unrelated individuals. This variant has been classified as pathogenic by multiple clinical laboratories in ClinVar. (SP) 1208 - Inheritance information for this variant is not currently available in this individual. (I) Legend: (SP) - Supporting pathogenic, (I) - Information, (SB) - Supporting benign

CHEO Genetics Diagnostic Laboratory, Children's Hospital of Eastern Ontario
Classification: Pathogenic for Cardiomyopathy. Last evaluated: 2023-06-08. Review status: criteria provided, single submitter. Criteria: ACMG Guidelines, 2015. Collection method: clinical testing. Allele origin: germline. Study: Canadian Open Genetics Repository.

Laboratory for Molecular Medicine, Mass General Brigham Personalized Medicine
Classification: Pathogenic for Arrhythmogenic right ventricular cardiomyopathy. Last evaluated: 2023-05-03. Review status: criteria provided, single submitter. Criteria: ACMG Guidelines, 2015. Collection method: clinical testing. Allele origin: germline. Inheritance: Autosomal dominant inheritance.
Comment: The p.Thr50SerfsX61 variant in PKP2 (also described as c.145_148delCAGA; c.144_148delCAGA; p.S50fsX110; p.Thr50_Val51SerfsX60 in the literature) has been reported in >20 individuals with arrhythmogenic right ventricular cardiomyopathy (ARVC; Gerull 2004 PMID: 15489853, Syrris 2006 PMID: 16415378, Dalal 2006a PMID: 16549640, van Tintelen 2006 PMID: 16567567, Dalal 2006b PMID: 17010805, Wu 2009 PMID: 19302745, Bhuiyan 2009 PMID: 20031616, Bauce 2010 PMID: 20129281, Xu 2010 PMID: 20152563, Fressart 2010 PMID: 20400443, Cox 2011 PMID: 21606396, Tisma-Dupanovic 2013 PMID: 23347029, Baskin 2013 PMID: 23812740, Caspi 2013 PMID: 24200905, Philips 2014 PMID: 24585727, Walsh 2017 PMID: 27532257, Te Riele 2017 PMID: 28069705, van Lint 2019 PMID: 31386562, Smith 2020 PMID: 32372669, Hirono 2020 PMID: 32600061, Stava 2022 PMID: 35653365, Goudal 2022 PMID: 35819174, LMM data), and in 1 individual with dilated cardiomyopathy (DCM; Gigli 2019 PMID: 31514951), and has also been reported by other clinical laboratories in ClinVar (Variation ID 45028). This variant segregated with disease in >7 individuals across multiple families (Dalal 2006b PMID: 17010805, Wu 2009 PMID: 19302745, Bauce 2010 PMID: 20129281, Smith 2020 PMID: 32372669, Stava 2022 PMID: 35653365, LMM data), but it is also present in several reportedly unaffected relatives (age range: 52-74 , indicating possible reduced penetrance (Syrris 2006 PMID: 16415378, Wu 2009 PMID: 19302745, Bauce 2010 PMID: 20129281, Perrin 2013 PMID: 23810883, LMM data). Additionally, this variant has been identified in 0.006% (1/15282) of Latino/Admixed American and 0.003% (2/67984) of European chromosomes by gnomAD (v.3.1.2). This variant is predicted to cause a frameshift, which alters the protein’s amino acid sequence beginning at position 50 and leads to a premature termination codon 61 amino acids downstream and is predicted to lead to a truncated or absent protein. Heterozygous loss of function of the PKP2 gene is an established disease mechanism in autosomal dominant ARVC. Additionally, an in vitro functional study using human induced pluripotent stem cell derived cardiomyocytes from an ARVC patient with the variant provide some evidence that this variant impacts protein function by disrupting desmosomal function and morphology and potentially recapitulating the ARVC phenotype in the culture dish (Caspi 2013 PMID: 24200905). In summary, this variant meets criteria to be classified as pathogenic for autosomal dominant ARVC. ACMG/AMP Criteria applied: PS4, PP1_strong, PM2_Supporting, PVS1, PS3_Supporting.